The following is an entry in ClinVar:

ClinVar aggregate classification (germline): Likely benign. Review status: criteria provided, single submitter (1 of 4 stars). 2 submissions from 2 submitters: Likely benign (1). 1 of the submissions does not count toward it. Last evaluated 2025-10-22.

Conditions:
KMT2A-related disorder. Also called: KMT2A-related condition.

Allele frequency attached by ClinVar (database versions not stated): gnomAD 0.00001 and 0.00002; ExAC 0.00007; gnomAD exomes 0.00009.
gnomAD v4.1: 66 of 1,613,942 alleles (0.0041%); highest among the groups gnomAD compares: South Asian, 0.067%; no homozygotes.

Submissions (2):

Labcorp Genetics (formerly Invitae), Labcorp
Classification: Likely benign. Last evaluated: 2025-10-22. Review status: criteria provided, single submitter. Criteria: Invitae Variant Classification Sherloc (09022015). Collection method: clinical testing. Allele origin: germline.

PreventionGenetics, part of Exact Sciences
Classification: Uncertain significance for KMT2A-related condition. Last evaluated: 2023-10-18. Review status: no assertion criteria provided. Collection method: clinical testing. Allele origin: germline. Not counted in ClinVar's aggregate classification.
Comment: The KMT2A c.9176C>T variant is predicted to result in the amino acid substitution p.Pro3059Leu. To our knowledge, this variant has not been reported in the literature. This variant is reported in 0.072% of alleles in individuals of South Asian descent in gnomAD. At this time, the clinical significance of this variant is uncertain due to the absence of conclusive functional and genetic evidence.

NM_001197104.2(KMT2A):c.9176C>T (p.Pro3059Leu)

Gene: KMT2A (lysine methyltransferase 2A; plus strand). Cytogenetic location: 11q23.3.
Variant type: single nucleotide variant.
Coding change: c.9176C>T on transcript NM_001197104.2 (MANE Select); coding-DNA position 9176, C replaced by T.
Protein change: p.Pro3059Leu; replaces proline 3059 with leucine.
Molecular consequence: missense variant.
Genome position (GRCh38, 1-based): chr11:118,505,068, C>T. VCF-style: chr11-118505068-C-T. GRCh37 (hg19) VCF-style: chr11-118375783-C-T.
Other names: c.9167C>T, p.Pro3056Leu (NM_005933.4); c.9176C>T (NM_001197104.1); short protein forms P3056L, P3059L.
Identifiers: ClinVar variation 1442601 (VCV001442601.10), dbSNP rs782800112, ClinGen allele CA6304562.